The following is an entry in ClinVar:

ClinVar aggregate classification (germline): Uncertain significance (1 of 4 stars; one submission).

Submission:

Labcorp Genetics (formerly Invitae), Labcorp
Classification: Uncertain significance. Last evaluated: 2025-12-10. Review status: criteria provided, single submitter. Criteria: Invitae Variant Classification Sherloc (09022015). Collection method: clinical testing. Allele origin: germline.
Comment: This sequence change replaces arginine, which is basic and polar, with cysteine, which is neutral and slightly polar, at codon 1229 of the A2ML1 protein (p.Arg1229Cys). This variant is present in population databases (no rsID available, gnomAD 0.003%). This variant has not been reported in the literature in individuals affected with A2ML1-related conditions. ClinVar contains an entry for this variant (Variation ID: 933223). Experimental studies and prediction algorithms are not available or were not evaluated, and the functional significance of this variant is currently unknown. In summary, the available evidence is currently insufficient to determine the role of this variant in disease. Therefore, it has been classified as a Variant of Uncertain Significance.

NM_144670.6(A2ML1):c.3685_3686inv (p.His1229Cys)

Gene: A2ML1 (alpha-2-macroglobulin like 1; plus strand). Cytogenetic location: 12p13.31.
Variant type: Inversion.
Coding change: c.3685_3686inv on transcript NM_144670.6 (MANE Select).
Protein change: p.His1229Cys; replaces histidine 1229 with cysteine.
Molecular consequence: missense variant.
Genome position: GRCh38 VCF-style: chr12-8863976-CA-TG. GRCh37 (hg19) VCF-style: chr12-9016572-CA-TG.
Other names: c.2212_2213inv, p.His738Cys (NM_001282424.3); short protein forms H738C, H1229C.
Identifiers: ClinVar variation 1045032 (VCV001045032.7), ClinGen allele CA2499221918.
Genomic context (GRCh38, chr12:8,863,976, plus strand): 5'-AGCCTGACTCAAAAGGAGATAGCGAAGGCCACTAGCATAGTGGCTTGGTTGGCCAAGCAA[CA>TG]CAATGCATATGGGGGCTTCTCTTCTACTCAGGTAAACAGCCTGTTCTCCCACTGCCACTT-3'
Protein context (NP_653271.3, residues 1219-1239): TSIVAWLAKQ[His1229Cys]NAYGGFSSTQ